The following is an entry in ClinVar:

ClinVar aggregate classification (germline): Uncertain significance (1 of 4 stars; one submission).

Allele frequency attached by ClinVar (database versions not stated): gnomAD 0.00001; TOPMed 0.00001.
gnomAD v4.1: 6 of 1,326,772 alleles (0.00045%); highest among the groups gnomAD compares: African/African-American, 0.0015%; no homozygotes.

Submission:

Labcorp Genetics (formerly Invitae), Labcorp
Classification: Uncertain significance. Last evaluated: 2022-07-01. Review status: criteria provided, single submitter. Criteria: Invitae Variant Classification Sherloc (09022015). Collection method: clinical testing. Allele origin: germline.
Comment: This sequence change replaces glycine, which is neutral and non-polar, with arginine, which is basic and polar, at codon 4 of the GTPBP3 protein (p.Gly4Arg). This variant is not present in population databases (gnomAD no frequency). This variant has not been reported in the literature in individuals affected with GTPBP3-related conditions. Algorithms developed to predict the effect of missense changes on protein structure and function are either unavailable or do not agree on the potential impact of this missense change (SIFT: "Deleterious"; PolyPhen-2: "Benign"; Align-GVGD: "Class C0"). In summary, the available evidence is currently insufficient to determine the role of this variant in disease. Therefore, it has been classified as a Variant of Uncertain Significance.

NM_032620.4(GTPBP3):c.10G>A (p.Gly4Arg)

Gene: GTPBP3 (GTP binding protein 3, mitochondrial; plus strand). Cytogenetic location: 19p13.11.
Variant type: single nucleotide variant.
Coding change: c.10G>A on transcript NM_032620.4 (MANE Select); coding-DNA position 10, G replaced by A.
Protein change: p.Gly4Arg; replaces glycine 4 with arginine.
Molecular consequence: missense variant. On other transcripts: intron variant (1).
Genome position (GRCh38, 1-based): chr19:17,337,621, G>A. VCF-style: chr19-17337621-G-A. GRCh37 (hg19) VCF-style: chr19-17448430-G-A.
Other names: c.10G>A, p.Gly4Arg (NM_001128855.3, NM_133644.4); c.120-387G>A (NM_001195422.1); short protein forms G4R.
Identifiers: ClinVar variation 2196722 (VCV002196722.1), dbSNP rs1279149708, ClinGen allele CA404730353.